The following is an entry in ClinVar:

NM_000059.4(BRCA2):c.6918T>C (p.Ala2306=)

Gene: BRCA2 (BRCA2 DNA repair associated; plus strand). Cytogenetic location: 13q13.1.
Variant type: single nucleotide variant.
Coding change: c.6918T>C on transcript NM_000059.4 (MANE Select); coding-DNA position 6918, T replaced by C.
Protein change: p.Ala2306=; no amino-acid change (alanine 2306 retained).
Molecular consequence: synonymous variant.
Genome position (GRCh38, 1-based): chr13:32,344,634, T>C. VCF-style: chr13-32344634-T-C. GRCh37 (hg19) VCF-style: chr13-32918771-T-C.
Identifiers: ClinVar variation 231913 (VCV000231913.62), dbSNP rs876659441, ClinGen allele CA10579716.

ClinVar aggregate classification (germline): Likely benign. Review status: reviewed by expert panel (3 of 4 stars). 9 submissions from 9 submitters: Likely benign (1). 8 of the submissions do not count toward it. Last evaluated 2017-06-29.

Conditions:
Hereditary cancer-predisposing syndrome. Also called: Hereditary Cancer Syndrome; Neoplastic Syndromes, Hereditary; Tumor predisposition; Hereditary neoplastic syndrome. Identifiers: Orphanet 140162, MedGen C0027672, MeSH D009386, MONDO:0015356.
Breast-ovarian cancer, familial, susceptibility to, 2 (BROVCA2). Also called: BRCA2 Hereditary Breast and Ovarian Cancer. Identifiers: Orphanet 145, MedGen C2675520, MONDO:0012933, OMIM 612555. Disease mechanism: loss of function.
Hereditary breast ovarian cancer syndrome. Also called: Hereditary breast and/or ovarian cancer syndrome; BRCA1- and BRCA2-Associated Hereditary Breast and Ovarian Cancer; Hereditary breast and ovarian cancer syndrome (HBOC); Hereditary breast and ovarian cancer; Hereditary breast and ovarian cancer syndrome; Breast and ovarian cancer. Identifiers: Orphanet 145, MedGen C0677776, MeSH D061325, MONDO:0003582. Disease mechanism: loss of function.

Submissions (9):

Evidence-based Network for the Interpretation of Germline Mutant Alleles (ENIGMA)
Classification: Likely benign for Breast-ovarian cancer, familial, susceptibility to, 2. Last evaluated: 2017-06-29. Review status: reviewed by expert panel. Criteria: ENIGMA BRCA1/2 Classification Criteria (2017-06-29). Collection method: curation. Allele origin: germline.
Comment: Synonymous substitution variant, with low bioinformatic likelihood to result in a splicing aberration (Splicing prior probability 0.02).

Labcorp Genetics (formerly Invitae), Labcorp
Classification: Likely benign for Hereditary breast ovarian cancer syndrome. Last evaluated: 2025-03-23. Review status: criteria provided, single submitter. Criteria: Invitae Variant Classification Sherloc (09022015). Collection method: clinical testing. Allele origin: germline. Not counted in ClinVar's aggregate classification.

Women's Health and Genetics/Laboratory Corporation of America, LabCorp
Classification: Likely benign. Last evaluated: 2024-12-06. Review status: criteria provided, single submitter. Criteria: LabCorp Variant Classification Summary - May 2015. Collection method: clinical testing. Allele origin: germline. Not counted in ClinVar's aggregate classification.

GeneDx
Classification: Likely benign. Last evaluated: 2021-01-04. Review status: criteria provided, single submitter. Criteria: GeneDx Variant Classification Process June 2021. Collection method: clinical testing. Allele origin: germline. Affected: yes. Not counted in ClinVar's aggregate classification.
Comment: This variant is associated with the following publications: (PMID: 20167696)

Color Diagnostics, LLC DBA Color Health
Classification: Likely benign for Hereditary cancer-predisposing syndrome. Last evaluated: 2018-11-05. Review status: criteria provided, single submitter. Criteria: ACMG Guidelines, 2015. Collection method: clinical testing. Allele origin: germline. Not counted in ClinVar's aggregate classification.

Genome Diagnostics Laboratory, University Medical Center Utrecht
Classification: Likely benign for Breast-ovarian cancer, familial, susceptibility to, 2. Last evaluated: 2017-07-28. Review status: criteria provided, single submitter. Criteria: ACGS Guidelines, 2013. Collection method: clinical testing. Allele origin: germline. Affected: yes. Study: VKGL Data-share Consensus. Not counted in ClinVar's aggregate classification.

Clinical Genetics DNA and cytogenetics Diagnostics Lab, Erasmus MC, Erasmus Medical Center
Classification: Likely benign for Breast-ovarian cancer, familial, susceptibility to, 2. Last evaluated: 2015-09-21. Review status: criteria provided, single submitter. Criteria: ACGS Guidelines, 2013. Collection method: clinical testing. Allele origin: germline. Affected: yes. Study: VKGL Data-share Consensus. Not counted in ClinVar's aggregate classification.

Ambry Genetics
Classification: Likely benign for Hereditary cancer-predisposing syndrome. Last evaluated: 2015-05-27. Review status: criteria provided, single submitter. Criteria: Ambry Variant Classification Scheme 2023. Collection method: clinical testing. Allele origin: germline. Not counted in ClinVar's aggregate classification.

Joint Genome Diagnostic Labs from Nijmegen and Maastricht, Radboudumc and MUMC+
Classification: Likely benign. Review status: no assertion criteria provided. Collection method: clinical testing. Allele origin: germline. Affected: yes. Study: VKGL Data-share Consensus. Not counted in ClinVar's aggregate classification.

Literature cited by the submitters: PubMed 20167696 (cited by Women's Health and Genetics/Laboratory Corporation of America, LabCorp).